The following is an entry in ClinVar:

ClinVar aggregate classification (germline): Uncertain significance. Review status: criteria provided, multiple submitters, no conflicts (2 of 4 stars). 3 submissions from 3 submitters: Uncertain significance (3). Last evaluated 2025-04-18.

Conditions:
Charcot-Marie-Tooth disease type 2. Also called: Charcot-Marie-Tooth type 2. Identifiers: Orphanet 64746, MedGen C0270914, MONDO:0018993.

Allele frequency attached by ClinVar (database versions not stated): gnomAD 0.00001; gnomAD exomes 0.00001; TOPMed 0.00002.
gnomAD v4.1: 6 of 1,612,778 alleles (0.00037%); highest among the groups gnomAD compares: Middle Eastern, 0.016%; no homozygotes.

Submissions (3):

Ambry Genetics
Classification: Uncertain significance. Last evaluated: 2025-04-18. Review status: criteria provided, single submitter. Criteria: Ambry Variant Classification Scheme 2023. Collection method: clinical testing. Allele origin: germline.
Comment: The c.4615-3T>C intronic variant results from a T to C substitution 3 nucleotides upstream from coding exon 41 in the KIF1B gene. This nucleotide position is not well conserved in available vertebrate species. In silico splice site analysis predicts that this alteration will not have any significant effect on splicing. The evidence for this gene-disease relationship is limited; therefore, the clinical significance of this alteration is unclear.

Labcorp Genetics (formerly Invitae), Labcorp
Classification: Uncertain significance for Charcot-Marie-Tooth disease type 2. Last evaluated: 2024-11-19. Review status: criteria provided, single submitter. Criteria: Invitae Variant Classification Sherloc (09022015). Collection method: clinical testing. Allele origin: germline.
Comment: This sequence change falls in intron 41 of the KIF1B gene. It does not directly change the encoded amino acid sequence of the KIF1B protein. It affects a nucleotide within the consensus splice site. This variant is not present in population databases (gnomAD no frequency). This variant has not been reported in the literature in individuals affected with KIF1B-related conditions. ClinVar contains an entry for this variant (Variation ID: 1987337). Variants that disrupt the consensus splice site are a relatively common cause of aberrant splicing (PMID: 17576681, 9536098). Algorithms developed to predict the effect of sequence changes on RNA splicing suggest that this variant is not likely to affect RNA splicing. In summary, the available evidence is currently insufficient to determine the role of this variant in disease. Therefore, it has been classified as a Variant of Uncertain Significance.

Blueprint Genetics
Classification: Uncertain significance. Last evaluated: 2018-06-14. Review status: criteria provided, single submitter. Criteria: ACMG Guidelines, 2015. Collection method: clinical testing. Allele origin: germline.

Literature cited by the submitters: PubMed 17576681 (cited by Labcorp Genetics (formerly Invitae), Labcorp); PubMed 9536098 (cited by Labcorp Genetics (formerly Invitae), Labcorp).

NM_001365951.3(KIF1B):c.4753-3T>C

Gene: KIF1B (kinesin family member 1B; plus strand). Cytogenetic location: 1p36.22.
Variant type: single nucleotide variant.
Coding change: c.4753-3T>C on transcript NM_001365951.3 (MANE Select); 3 bases into the intron before coding-DNA position 4753, T replaced by C.
Molecular consequence: intron variant.
Genome position (GRCh38, 1-based): chr1:10,368,464, T>C. VCF-style: chr1-10368464-T-C. GRCh37 (hg19) VCF-style: chr1-10428522-T-C.
Other names: c.4615-3T>C (NM_015074.3); c.4753-3T>C (NM_001365952.1).
Identifiers: ClinVar variation 1987337 (VCV001987337.8), dbSNP rs1264484971, ClinGen allele CA884819184.